The following is an entry in ClinVar:

NM_138694.4(PKHD1):c.11190del (p.Phe3730fs)

Gene: PKHD1 (PKHD1 ciliary IPT domain containing fibrocystin/polyductin; minus strand). Cytogenetic location: 6p12.3.
Variant type: Deletion.
Coding change: c.11190del on transcript NM_138694.4 (MANE Select); coding-DNA position 11190, one base deleted (T; older notation c.11190delT).
Protein change: p.Phe3730fs; shifts the reading frame from phenylalanine 3730.
Molecular consequence: frameshift variant.
Genome position (GRCh38, 1-based): chr6:51,649,205, A deleted on the plus strand (T on the coding strand, the reverse complement: PKHD1 is on the minus strand); the first of 4 consecutive A bases (chr6:51,649,205-51,649,208); deleting any one gives the same sequence. VCF-style (leftmost placement, unchanged base first): chr6-51649204-TA-T. GRCh37 (hg19) VCF-style: chr6-51514002-TA-T.
Other names: short protein forms F3730fs.
Identifiers: ClinVar variation 4816545 (VCV004816545.1).

ClinVar aggregate classification (germline): Likely pathogenic (1 of 4 stars; one submission).

Conditions:
Autosomal recessive polycystic kidney disease (ARPKD). Also called: AR polycystic kidney disease. Identifiers: Orphanet 731, Orphanet 8378, MedGen C0085548, MeSH D017044, MONDO:0009889.

Submission:

Natera, Inc.
Classification: Likely pathogenic for Autosomal recessive polycystic kidney disease. Last evaluated: 2024-02-28. Review status: criteria provided, single submitter. Criteria: Natera Variant Classification Schema (03/2026). Collection method: clinical testing. Allele origin: germline.
Comment: The c.11190delT variant in PKHD1 is a frameshift variant predicted to shift the reading frame beginning at codon 3730 and leads to a stop codon 6 codons downstream. This variant is expected to result in nonsense mediated decay, truncation, or a dysfunctional protein product. This variant is rare in the general population with a frequency below the threshold expected for the associated phenotype(s). Given the available evidence, this variant is classified as Likely Pathogenic.